The following is an entry in ClinVar:

ClinVar aggregate classification (germline): Uncertain significance (1 of 4 stars; one submission).

Submission:

GeneDx
Classification: Uncertain significance. Last evaluated: 2026-04-01. Review status: criteria provided, single submitter. Criteria: GeneDx Variant Classification Process June 2021. Collection method: clinical testing. Allele origin: germline.
Comment: Not observed at significant frequency in large population cohorts (gnomAD); In silico analysis suggests that this missense variant does not alter protein structure/function; Has not been previously published as pathogenic or benign to our knowledge

NM_001020658.2(PUM1):c.680G>A (p.Ser227Asn)

Gene: PUM1 (pumilio RNA binding family member 1; minus strand). Cytogenetic location: 1p35.2.
Variant type: single nucleotide variant.
Coding change: c.680G>A on transcript NM_001020658.2 (MANE Select); coding-DNA position 680, G replaced by A.
Protein change: p.Ser227Asn; replaces serine 227 with asparagine.
Molecular consequence: missense variant.
Genome position (GRCh38, 1-based): chr1:31,005,893, C>T on the plus strand (G>A on the coding strand, the complement: PUM1 is on the minus strand). VCF-style: chr1-31005893-C-T. GRCh37 (hg19) VCF-style: chr1-31478740-C-T.
Other names: c.680G>A, p.Ser227Asn (NM_014676.3); short protein forms S227N.
Identifiers: ClinVar variation 5017956 (VCV005017956.1).